The following is an entry in ClinVar:

ClinVar aggregate classification (germline): Likely pathogenic (1 of 4 stars; one submission).

Conditions:
Hypophosphatasia. Also called: Phosphoethanol-aminuria. Identifiers: Orphanet 436, MedGen C0020630, MeSH D007014, MONDO:0018570.

Submission:

Myriad Genetics, Inc.
Classification: Likely pathogenic for Hypophosphatasia. Last evaluated: 2022-01-02. Review status: criteria provided, single submitter. Criteria: Myriad Autosomal Dominant, Autosomal Recessive and X-Linked Classification Criteria (2023). Collection method: clinical testing. Allele origin: unknown.
Comment: NM_000478.4(ALPL):c.511delC(H171Mfs*27) is expected to be pathogenic in the context of hypophosphatasia. This variant is predicted to lead to an abnormal or absent protein product due to the creation of a premature termination codon in ALPL, a gene where loss-of-function variants are known to be pathogenic. Please note: this variant was assessed in the context of healthy population screening.

NM_000478.6(ALPL):c.511del (p.His171fs)

Gene: ALPL (alkaline phosphatase, biomineralization associated; plus strand). Cytogenetic location: 1p36.12.
Variant type: Deletion.
Coding change: c.511del on transcript NM_000478.6 (MANE Select); coding-DNA position 511, one base deleted (C; older notation c.511delC).
Protein change: p.His171fs; shifts the reading frame from histidine 171.
Molecular consequence: frameshift variant.
Genome position (GRCh38, 1-based): chr1:21,564,079, C deleted; the last of 2 consecutive C bases (chr1:21,564,078-21,564,079); deleting either gives the same sequence. VCF-style (leftmost placement, unchanged base first): chr1-21564077-AC-A. GRCh37 (hg19) VCF-style: chr1-21890570-AC-A.
Other names: c.346del, p.His116fs (NM_001127501.4); c.280del, p.His94fs (NM_001177520.3); c.511del, p.His171fs (NM_001369803.2, NM_001369804.2, NM_001369805.2); short protein forms H116fs, H171fs, H94fs.
Identifiers: ClinVar variation 1726895 (VCV001726895.3), dbSNP rs2545303525, ClinGen allele CA2580061461.